The following is an entry in ClinVar:

ClinVar aggregate classification (germline): other (0 of 4 stars; one submission).

Conditions:
Familial colorectal cancer. Identifiers: MedGen CN280943, MONDO:0023113. Disease mechanism: loss of function.

Submission:

Systems Biology Platform Zhejiang California International NanoSystems Institute
Classification: other for Familial colorectal cancer. Review status: no assertion criteria provided. Collection method: not provided. Allele origin: unknown.
ClinVar note: Converted during submission from cancer to other.

NC_000005.10:g.112850833C>A

Variant type: single nucleotide variant.
Genome position: GRCh38 VCF-style: chr5-112850833-C-A. GRCh37 (hg19) VCF-style: chr5-112186530-C-A.
Identifiers: ClinVar variation 82668 (VCV000082668.3), dbSNP rs75473948, ClinGen allele CA250808.